The following is an entry in ClinVar:

ClinVar aggregate classification (germline): Uncertain significance (1 of 4 stars; one submission).

Conditions:
Inborn genetic diseases. Identifiers: MedGen C0950123, MeSH D030342.

Submission:

Ambry Genetics
Classification: Uncertain significance for Inborn genetic diseases. Last evaluated: 2026-06-24. Review status: criteria provided, single submitter. Criteria: Ambry Variant Classification Scheme 2023. Collection method: clinical testing. Allele origin: germline.
Comment: The p.H1123P variant (also known as c.3368A>C), located in coding exon 32 of the RTEL1 gene, results from an A to C substitution at nucleotide position 3368. The histidine at codon 1123 is replaced by proline, an amino acid with similar properties. This amino acid position is conserved. In addition, the in silico prediction for this alteration is inconclusive. Based on the available evidence, the clinical significance of this variant remains unclear.

NM_001283009.2(RTEL1):c.3368A>C (p.His1123Pro)

Genes: RTEL1 (regulator of telomere elongation helicase 1; plus strand), RTEL1-TNFRSF6B (RTEL1-TNFRSF6B readthrough (NMD candidate); plus strand). Cytogenetic location: 20q13.33.
Variant type: single nucleotide variant.
Coding change: c.3368A>C on transcript NM_001283009.2 (MANE Select); coding-DNA position 3368, A replaced by C.
Protein change: p.His1123Pro; replaces histidine 1123 with proline.
Molecular consequence: missense variant. On other transcripts: non-coding transcript variant (1).
Genome position (GRCh38, 1-based): chr20:63,695,090, A>C. VCF-style: chr20-63695090-A-C. GRCh37 (hg19) VCF-style: chr20-62326443-A-C.
Other names: c.2699A>C, p.His900Pro (NM_001283010.1); c.3368A>C, p.His1123Pro (NM_016434.4); c.3440A>C, p.His1147Pro (NM_032957.5); short protein forms H1123P, H900P, H1147P.
Identifiers: ClinVar variation 5028466 (VCV005028466.1).